The following is an entry in ClinVar:

ClinVar aggregate classification (germline): Likely benign. Review status: criteria provided, multiple submitters, no conflicts (2 of 4 stars). 2 submissions from 2 submitters: Likely benign (2). Last evaluated 2022-10-27.

Allele frequency attached by ClinVar (database versions not stated): gnomAD 0.00003; TOPMed 0.00007; gnomAD exomes 0.00008; 1000 Genomes Project 30x 0.00016; ExAC 0.00016; 1000 Genomes Project 0.00020.
gnomAD v4.1: 53 of 1,614,170 alleles (0.0033%); highest among the groups gnomAD compares: Admixed American, 0.087%; no homozygotes.

Submissions (2):

Blueprint Genetics
Classification: Likely benign. Last evaluated: 2022-10-27. Review status: criteria provided, single submitter. Criteria: ACMG Guidelines, 2015. Collection method: clinical testing. Allele origin: germline.

GeneDx
Classification: Likely benign. Last evaluated: 2017-08-24. Review status: criteria provided, single submitter. Criteria: GeneDx Variant Classification Process June 2021. Collection method: clinical testing. Allele origin: germline. Affected: yes.
Comment: See Variant Classification Assertion Criteria.

NM_015681.6(B9D1):c.*2G>A

Gene: B9D1 (B9 domain containing 1; minus strand). Cytogenetic location: 17p11.2.
Variant type: single nucleotide variant.
Coding change: c.*2G>A on transcript NM_015681.6 (MANE Select); 2 bases downstream of the stop codon, G replaced by A.
Molecular consequence: 3 prime UTR variant. On other transcripts: intron variant (4).
Genome position (GRCh38, 1-based): chr17:19,343,317, C>T on the plus strand (G>A on the coding strand, the complement: B9D1 is on the minus strand). VCF-style: chr17-19343317-C-T. GRCh37 (hg19) VCF-style: chr17-19246630-C-T.
Other names: c.*142G>A (NM_001321214.2); c.*393G>A (NM_001321215.3); c.112+473G>A (NM_001368769.2); c.404+3952G>A (NM_001321219.2); c.472+473G>A (NM_001321218.2, NM_001321217.2).
Identifiers: ClinVar variation 1706870 (VCV001706870.3), dbSNP rs201986754, ClinGen allele CA8440056.
Genomic context (GRCh38, chr17:19,343,317, plus strand): 5'-GCAGCGGCTGACTTCGGGAAGGCAGCCCTTCATTATCAGAGACTGTGCAGCCTGTGGAGC[C>T]TTCACTGGGGGAAGCTCTGGGGTGGGCTGGGCCCCAACACACCCTGTGTATCAGAAGGCC-3'